The following is an entry in ClinVar:

NM_002878.4(RAD51D):c.716G>A (p.Arg239Gln)

Genes: RAD51D (RAD51 paralog D; minus strand), RAD51L3-RFFL (RAD51L3-RFFL readthrough; minus strand). Cytogenetic location: 17q12.
Variant type: single nucleotide variant.
Coding change: c.716G>A on transcript NM_002878.4 (MANE Select); coding-DNA position 716, G replaced by A.
Protein change: p.Arg239Gln; replaces arginine 239 with glutamine.
Molecular consequence: missense variant. On other transcripts: non-coding transcript variant (3).
Genome position (GRCh38, 1-based): chr17:35,103,276, C>T on the plus strand (G>A on the coding strand, the complement: RAD51D is on the minus strand). VCF-style: chr17-35103276-C-T. GRCh37 (hg19) VCF-style: chr17-33430295-C-T.
Other names: c.776G>A, p.Arg259Gln (NM_001142571.2); c.380G>A, p.Arg127Gln (NM_133629.3); short protein forms R239Q, R259Q, R127Q.
Identifiers: ClinVar variation 229883 (VCV000229883.33), dbSNP rs780921112, ClinGen allele CA8499375.

ClinVar aggregate classification (germline): Uncertain significance. Review status: criteria provided, multiple submitters, no conflicts (2 of 4 stars). 12 submissions from 12 submitters: Uncertain significance (10). 2 of the submissions do not count toward it. Last evaluated 2025-09-22.

Conditions:
RAD51D-related cancer predisposition. Identifiers: MedGen CN377763, MONDO:0700274.
Hereditary cancer-predisposing syndrome. Also called: Tumor predisposition; Neoplastic Syndromes, Hereditary; Hereditary Cancer Syndrome; Hereditary neoplastic syndrome. Identifiers: Orphanet 140162, MedGen C0027672, MeSH D009386, MONDO:0015356.
Hereditary breast ovarian cancer syndrome. Also called: Breast and ovarian cancer; Hereditary breast and ovarian cancer; BRCA1- and BRCA2-Associated Hereditary Breast and Ovarian Cancer; Hereditary breast and/or ovarian cancer syndrome; Hereditary breast and ovarian cancer syndrome; Hereditary breast and ovarian cancer syndrome (HBOC). Identifiers: Orphanet 145, MedGen C0677776, MeSH D061325, MONDO:0003582. Disease mechanism: loss of function.
Breast-ovarian cancer, familial, susceptibility to, 4. Identifiers: Orphanet 145, MedGen C3280345, MONDO:0013669, OMIM 614291.
Carcinoma of colon (CRC). Also called: Colonic carcinoma; Colon carcinoma. Identifiers: MedGen C0699790, MONDO:0002032.

Allele frequency attached by ClinVar (database versions not stated): gnomAD 0.00001; TOPMed 0.00001.

Submissions (12):

Ambry Genetics
Classification: Uncertain significance for Hereditary cancer-predisposing syndrome. Last evaluated: 2025-09-22. Review status: criteria provided, single submitter. Criteria: Ambry Variant Classification Scheme 2023. Collection method: clinical testing. Allele origin: germline.
Comment: The p.R239Q variant (also known as c.716G>A), located in coding exon 8 of the RAD51D gene, results from a G to A substitution at nucleotide position 716. The arginine at codon 239 is replaced by glutamine, an amino acid with highly similar properties. This amino acid position is well conserved in available vertebrate species. In addition, this alteration is predicted to be tolerated by in silico analysis. Since supporting evidence is limited at this time, the clinical significance of this alteration remains unclear.

Labcorp Genetics (formerly Invitae), Labcorp
Classification: Uncertain significance for Breast-ovarian cancer, familial, susceptibility to, 4. Last evaluated: 2025-09-08. Review status: criteria provided, single submitter. Criteria: Invitae Variant Classification Sherloc (09022015). Collection method: clinical testing. Allele origin: germline.
Comment: This sequence change replaces arginine, which is basic and polar, with glutamine, which is neutral and polar, at codon 239 of the RAD51D protein (p.Arg239Gln). The frequency data for this variant in the population databases is considered unreliable, as metrics indicate poor data quality at this position in the gnomAD database. This variant has not been reported in the literature in individuals affected with RAD51D-related conditions. ClinVar contains an entry for this variant (Variation ID: 229883). Invitae Evidence Modeling of protein sequence and biophysical properties (such as structural, functional, and spatial information, amino acid conservation, physicochemical variation, residue mobility, and thermodynamic stability) indicates that this missense variant is not expected to disrupt RAD51D protein function with a negative predictive value of 80%. In summary, the available evidence is currently insufficient to determine the role of this variant in disease. Therefore, it has been classified as a Variant of Uncertain Significance.

Center for Genomic Medicine, Rigshospitalet, Copenhagen University Hospital
Classification: Uncertain significance. Last evaluated: 2025-03-04. Review status: criteria provided, single submitter. Criteria: ACMG Guidelines, 2015. Collection method: clinical testing. Allele origin: germline.

Molecular Diagnostics Laboratory, Catalan Institute of Oncology
Classification: Uncertain significance for Hereditary cancer-predisposing syndrome. Last evaluated: 2025-02-11. Review status: criteria provided, single submitter. Criteria: ACMG Guidelines, 2015. Collection method: clinical testing. Allele origin: germline.
Comment: PM2_Supporting, BP4_Moderate c.716G>A, located in exon 8 of the RAD51D gene, is predicted to result in the substitution of arginine by glutamine at codon 239, p.(Arg239Gln). This variant is found in 4/262864 alleles at a frequency of 0.0015% in the gnomAD v2.1.1 database, non-cancer dataset (PM2_supporting). The SpliceAI algorithm predicts no significant impact on splicing and the REVEL meta-predictor score for this variant (0.064) suggests that it does not affect the protein function according Pejaver 2022 thresholds (PMID: 36413997) (BP4_Moderate). To our knowledge, neither relevant clinical data nor well-stablished functional studies have been reported for this variant. It has been reported in the ClinVar database (11x uncertain significance) and in the LOVD database (2x NA). Based on the currently available information, c.716G>A is classified as an uncertain significance variant according to ACMG guidelines.

GeneDx
Classification: Uncertain significance. Last evaluated: 2024-06-24. Review status: criteria provided, single submitter. Criteria: GeneDx Variant Classification Process June 2021. Collection method: clinical testing. Allele origin: germline. Affected: yes.
Comment: Not observed at significant frequency in large population cohorts (gnomAD); In silico analysis indicates that this missense variant does not alter protein structure/function; Observed in an individual with breast cancer in published literature (PMID: 35264596); This variant is associated with the following publications: (PMID: 21111057, 14704354, 19327148, 35264596, 36243179)

Fulgent Genetics
Classification: Uncertain significance for Breast-ovarian cancer, familial, susceptibility to, 4. Last evaluated: 2024-04-09. Review status: criteria provided, single submitter. Criteria: ACMG Guidelines, 2015. Collection method: clinical testing. Allele origin: germline.

Color Diagnostics, LLC DBA Color Health
Classification: Uncertain significance for Hereditary cancer-predisposing syndrome. Last evaluated: 2024-03-28. Review status: criteria provided, single submitter. Criteria: ACMG Guidelines, 2015. Collection method: clinical testing. Allele origin: germline.
Comment: This missense variant replaces arginine with glutamine at codon 239 of the RAD51D protein. Computational prediction suggests that this variant may not impact protein structure and function. To our knowledge, functional studies have not been reported for this variant. This variant has not been reported in individuals affected with RAD51D-related disorders in the literature. This variant has been identified in 5/276252 chromosomes in the general population by the Genome Aggregation Database (gnomAD). The available evidence is insufficient to determine the role of this variant in disease conclusively. Therefore, this variant is classified as a Variant of Uncertain Significance.

Baylor Genetics
Classification: Uncertain significance for Breast-ovarian cancer, familial, susceptibility to, 4. Last evaluated: 2023-12-15. Review status: criteria provided, single submitter. Criteria: ACMG Guidelines, 2015. Collection method: clinical testing. Allele origin: unknown.

Myriad Genetics, Inc.
Classification: Uncertain significance for Breast-ovarian cancer, familial, susceptibility to, 4. Last evaluated: 2023-04-06. Review status: criteria provided, single submitter. Criteria: Myriad Autosomal Dominant, Autosomal Recessive and X-Linked Classification Criteria (2023). Collection method: clinical testing. Allele origin: unknown.
Comment: This variant is classified as a variant of uncertain significance as there is insufficient evidence to determine its impact on protein function and/or cancer risk.

Mendelics
Classification: Uncertain significance for Hereditary breast and ovarian cancer syndrome. Last evaluated: 2018-07-02. Review status: criteria provided, single submitter. Criteria: Mendelics Assertion Criteria 2017. Collection method: clinical testing. Allele origin: unknown.

Counsyl
Classification: Uncertain significance for Breast-ovarian cancer, familial, susceptibility to, 4. Last evaluated: 2018-04-26. Review status: no assertion criteria provided. Collection method: clinical testing. Allele origin: unknown. Not counted in ClinVar's aggregate classification.

Department of Pathology and Laboratory Medicine, Sinai Health System
Classification: Uncertain significance for Carcinoma of colon. Review status: no assertion criteria provided. Collection method: clinical testing. Allele origin: unknown. Affected: yes. Study: The Canadian Open Genetics Repository (COGR). Not counted in ClinVar's aggregate classification.
Comment: The RAD51D p.Arg239Gln variant was not identified in the literature. The variant was identified in dbSNP (ID: rs780921112) as "With Uncertain significance allele" and ClinVar (classified as uncertain significance by Invitae, Counsyl, Ambry Genetics, Color and Mendelics). The variant was identified in control databases in 1 of 30972 chromosomes at a frequency of 0.00003 (Genome Aggregation Database Feb 27, 2017). The variant was observed in the European population in 1 of 15010 chromosomes (freq: 0.00007), while it was not observed in the African, Other, Latino, Ashkenazi Jewish, East Asian, Finnish, or South Asian populations. The p.Arg239 residue is conserved in mammals and four out of five computational analyses (PolyPhen-2, SIFT, AlignGVGD, BLOSUM, MutationTaster) do not suggest a high likelihood of impact to the protein; however, this information is not predictive enough to rule out pathogenicity. The variant occurs outside of the splicing consensus sequence and in silico or computational prediction software programs (SpliceSiteFinder, MaxEntScan, NNSPLICE, GeneSplicer) do not predict a difference in splicing. In summary, based on the above information, the clinical significance of this variant cannot be determined with certainty at this time. This variant is classified as a variant of uncertain significance.